The following is an entry in ClinVar:

ClinVar aggregate classification (germline): Uncertain significance (1 of 4 stars; one submission).

Conditions:
Pyridoxine-dependent epilepsy (EPEO4). Also called: PYRIDOXINE DEPENDENCY WITH SEIZURES; Pyridoxine-Dependent Seizures; Pyridoxine-Dependent Epilepsy - ALDH7A1; EPILEPSY, EARLY-ONSET, 4, VITAMIN B6-DEPENDENT. Identifiers: Orphanet 3006, MedGen C1849508, MONDO:0009945, OMIM 266100. Disease mechanism: loss of function.

Submission:

Labcorp Genetics (formerly Invitae), Labcorp
Classification: Uncertain significance for Pyridoxine-dependent epilepsy. Last evaluated: 2022-05-12. Review status: criteria provided, single submitter. Criteria: Invitae Variant Classification Sherloc (09022015). Collection method: clinical testing. Allele origin: germline.
Comment: In summary, the available evidence is currently insufficient to determine the role of this variant in disease. Therefore, it has been classified as a Variant of Uncertain Significance. Advanced modeling of protein sequence and biophysical properties (such as structural, functional, and spatial information, amino acid conservation, physicochemical variation, residue mobility, and thermodynamic stability) performed at Invitae indicates that this missense variant is not expected to disrupt ALDH7A1 protein function. This variant has not been reported in the literature in individuals affected with ALDH7A1-related conditions. This variant is not present in population databases (gnomAD no frequency). This sequence change replaces serine, which is neutral and polar, with arginine, which is basic and polar, at codon 23 of the ALDH7A1 protein (p.Ser23Arg).

NM_001182.5(ALDH7A1):c.69C>G (p.Ser23Arg)

Gene: ALDH7A1 (aldehyde dehydrogenase 7 family member A1; minus strand). Cytogenetic location: 5q23.2.
Variant type: single nucleotide variant.
Coding change: c.69C>G on transcript NM_001182.5 (MANE Select); coding-DNA position 69, C replaced by G.
Protein change: p.Ser23Arg; replaces serine 23 with arginine.
Molecular consequence: missense variant. On other transcripts: 5 prime UTR variant (1).
Genome position (GRCh38, 1-based): chr5:126,595,130, G>C on the plus strand (C>G on the coding strand, the complement: ALDH7A1 is on the minus strand). VCF-style: chr5-126595130-G-C. GRCh37 (hg19) VCF-style: chr5-125930822-G-C.
Other names: c.-16C>G (NM_001201377.2); c.69C>G, p.Ser23Arg (NM_001202404.2); short protein forms S23R.
Identifiers: ClinVar variation 1993601 (VCV001993601.4), dbSNP rs763900156, ClinGen allele CA360733911.
Genomic context (GRCh38, chr5:126,595,130, plus strand): 5'-TTTCAGCCACGCATACTGGGGCTGATTGATGAGGAGAGTGGACATGAAGGCGGCAGGCCT[G>C]CTCCAAGGTCCAGAGAGCTTGCTGGTCTTTGCAGCGTGCACACACAGCGCGCGAGGAAGG-3'
Protein context (NP_001173.2, residues 13-33): AKTSKLSGPW[Ser23Arg]RPAAFMSTLL